The following is an entry in ClinVar:

ClinVar aggregate classification (germline): Uncertain significance (1 of 4 stars; one submission).

Conditions:
Neonatal-onset encephalopathy with rigidity and seizures. Also called: Lethal neonatal spasticity-epileptic encephalopathy syndrome. Identifiers: Orphanet 435845, MedGen C3281029, MONDO:0013784, OMIM 614498.

Allele frequency attached by ClinVar (database versions not stated): gnomAD exomes below 0.00001; gnomAD 0.00001; TOPMed 0.00002.
gnomAD v4.1: 5 of 1,609,532 alleles (0.00031%); highest among the groups gnomAD compares: Non-Finnish European, 0.00034%; no homozygotes.

Submission:

Labcorp Genetics (formerly Invitae), Labcorp
Classification: Uncertain significance for Neonatal-onset encephalopathy with rigidity and seizures. Last evaluated: 2023-12-07. Review status: criteria provided, single submitter. Criteria: Invitae Variant Classification Sherloc (09022015). Collection method: clinical testing. Allele origin: germline.
Comment: This sequence change replaces glutamic acid, which is acidic and polar, with glycine, which is neutral and non-polar, at codon 782 of the BRAT1 protein (p.Glu782Gly). The frequency data for this variant in the population databases is considered unreliable, as metrics indicate poor data quality at this position in the gnomAD database. This variant has not been reported in the literature in individuals affected with BRAT1-related conditions. ClinVar contains an entry for this variant (Variation ID: 2179582). Advanced modeling of protein sequence and biophysical properties (such as structural, functional, and spatial information, amino acid conservation, physicochemical variation, residue mobility, and thermodynamic stability) has been performed at Invitae for this missense variant, however the output from this modeling did not meet the statistical confidence thresholds required to predict the impact of this variant on BRAT1 protein function. In summary, the available evidence is currently insufficient to determine the role of this variant in disease. Therefore, it has been classified as a Variant of Uncertain Significance.

NM_152743.4(BRAT1):c.2345A>G (p.Glu782Gly)

Gene: BRAT1 (BRCA1 associated ATM activator 1; minus strand). Cytogenetic location: 7p22.3.
Variant type: single nucleotide variant.
Coding change: c.2345A>G on transcript NM_152743.4 (MANE Select); coding-DNA position 2345, A replaced by G.
Protein change: p.Glu782Gly; replaces glutamic acid 782 with glycine.
Molecular consequence: missense variant. On other transcripts: non-coding transcript variant (1).
Genome position (GRCh38, 1-based): chr7:2,538,190, T>C on the plus strand (A>G on the coding strand, the complement: BRAT1 is on the minus strand). VCF-style: chr7-2538190-T-C. GRCh37 (hg19) VCF-style: chr7-2577824-T-C.
Other names: c.2525A>G, p.Glu842Gly (NM_001350626.2); c.1820A>G, p.Glu607Gly (NM_001350627.2); short protein forms E782G, E607G, E842G.
Identifiers: ClinVar variation 2179582 (VCV002179582.3), dbSNP rs1216759259, ClinGen allele CA366623055.